The following is an entry in ClinVar:

ClinVar aggregate classification (germline): Benign (1 of 4 stars; one submission).

Allele frequency attached by ClinVar (database versions not stated): 1000 Genomes Project 30x 0.22064; 1000 Genomes Project 0.22204; TOPMed 0.26289; gnomAD 0.27870 and 0.27960; gnomAD exomes 0.33531.
gnomAD v4.1: 131,610 of 419,012 alleles (31%); highest among the groups gnomAD compares: Non-Finnish European, 36%; 22,576 homozygotes.

Submission:

GeneDx
Classification: Benign. Last evaluated: 2018-06-14. Review status: criteria provided, single submitter. Criteria: GeneDx Variant Classification (06012015). Collection method: clinical testing. Allele origin: germline. Affected: yes.
Comment: This variant is considered likely benign or benign based on one or more of the following criteria: it is a conservative change, it occurs at a poorly conserved position in the protein, it is predicted to be benign by multiple in silico algorithms, and/or has population frequency not consistent with disease.

NM_020442.6(VARS2):c.1075-224C>T

Gene: VARS2 (valyl-tRNA synthetase 2, mitochondrial; plus strand). Cytogenetic location: 6p21.33.
Variant type: single nucleotide variant.
Coding change: c.1075-224C>T on transcript NM_020442.6 (MANE Select); 224 bases into the intron before coding-DNA position 1075, C replaced by T.
Molecular consequence: intron variant.
Genome position (GRCh38, 1-based): chr6:30,919,534, C>T. VCF-style: chr6-30919534-C-T. GRCh37 (hg19) VCF-style: chr6-30887311-C-T.
Other names: c.1165-224C>T (NM_001167734.2); c.655-224C>T (NM_001167733.3).
Identifiers: ClinVar variation 669593 (VCV000669593.1), dbSNP rs7756286, ClinGen allele CA12186952.